The following is an entry in ClinVar:

ClinVar aggregate classification (germline): Uncertain significance. Review status: criteria provided, multiple submitters, no conflicts (2 of 4 stars). 2 submissions from 2 submitters: Uncertain significance (2). Last evaluated 2023-11-17.

Conditions:
Hereditary cancer-predisposing syndrome. Also called: Neoplastic Syndromes, Hereditary; Tumor predisposition; Hereditary Cancer Syndrome; Hereditary neoplastic syndrome. Identifiers: Orphanet 140162, MedGen C0027672, MeSH D009386, MONDO:0015356.
Oligodontia-cancer predisposition syndrome. Also called: TOOTH AGENESIS-COLORECTAL CANCER SYNDROME. Identifiers: Orphanet 300576, MedGen C1837750, MONDO:0012075, OMIM 608615. Disease mechanism: loss of function.

Submissions (2):

Ambry Genetics
Classification: Uncertain significance for Hereditary cancer-predisposing syndrome. Last evaluated: 2023-11-17. Review status: criteria provided, single submitter. Criteria: Ambry Variant Classification Scheme 2023. Collection method: clinical testing. Allele origin: germline.
Comment: The p.V524F variant (also known as c.1570G>T), located in coding exon 5 of the AXIN2 gene, results from a G to T substitution at nucleotide position 1570. The valine at codon 524 is replaced by phenylalanine, an amino acid with highly similar properties. This amino acid position is conserved. In addition, this alteration is predicted to be tolerated by in silico analysis. Since supporting evidence is limited at this time, the clinical significance of this alteration remains unclear.

Labcorp Genetics (formerly Invitae), Labcorp
Classification: Uncertain significance for Oligodontia-cancer predisposition syndrome. Last evaluated: 2023-08-28. Review status: criteria provided, single submitter. Criteria: Invitae Variant Classification Sherloc (09022015). Collection method: clinical testing. Allele origin: germline.
Comment: In summary, the available evidence is currently insufficient to determine the role of this variant in disease. Therefore, it has been classified as a Variant of Uncertain Significance. Advanced modeling of protein sequence and biophysical properties (such as structural, functional, and spatial information, amino acid conservation, physicochemical variation, residue mobility, and thermodynamic stability) performed at Invitae indicates that this missense variant is not expected to disrupt AXIN2 protein function. This variant has not been reported in the literature in individuals affected with AXIN2-related conditions. This variant is not present in population databases (gnomAD no frequency). This sequence change replaces valine, which is neutral and non-polar, with phenylalanine, which is neutral and non-polar, at codon 524 of the AXIN2 protein (p.Val524Phe).

NM_004655.4(AXIN2):c.1570G>T (p.Val524Phe)

Gene: AXIN2 (axin 2; minus strand). Cytogenetic location: 17q24.1.
Variant type: single nucleotide variant.
Coding change: c.1570G>T on transcript NM_004655.4 (MANE Select); coding-DNA position 1570, G replaced by T.
Protein change: p.Val524Phe; replaces valine 524 with phenylalanine.
Molecular consequence: missense variant.
Genome position (GRCh38, 1-based): chr17:65,537,466, C>A on the plus strand (G>T on the coding strand, the complement: AXIN2 is on the minus strand). VCF-style: chr17-65537466-C-A. GRCh37 (hg19) VCF-style: chr17-63533584-C-A.
Other names: c.1570G>T, p.Val524Phe (NM_001363813.1); short protein forms V524F.
Identifiers: ClinVar variation 2914963 (VCV002914963.4), dbSNP rs2040852683, ClinGen allele CA400677238.